The following is an entry in ClinVar:

ClinVar aggregate classification (germline): Conflicting classifications of pathogenicity. Review status: criteria provided, conflicting classifications (1 of 4 stars). 8 submissions from 8 submitters: Uncertain significance (4); Likely benign (4). Last evaluated 2025-12-13.

Conditions:
Tuberous sclerosis syndrome (TSC). Also called: Tuberous sclerosis; Tuberous Sclerosis Complex. Identifiers: Orphanet 805, MedGen C0041341, MONDO:0001734.
Hereditary cancer-predisposing syndrome. Also called: Hereditary Cancer Syndrome; Tumor predisposition; Hereditary neoplastic syndrome; Neoplastic Syndromes, Hereditary. Identifiers: Orphanet 140162, MedGen C0027672, MeSH D009386, MONDO:0015356.
Tuberous sclerosis 1 (TSC1). Identifiers: Orphanet 805, MedGen C1854465, MONDO:0008612, OMIM 191100.

Allele frequency attached by ClinVar (database versions not stated): gnomAD 0.00001; gnomAD exomes 0.00001 and 0.00002; ExAC 0.00002; TOPMed 0.00002.
gnomAD v4.1: 17 of 1,614,008 alleles (0.0011%); highest among the groups gnomAD compares: Admixed American, 0.0017%; no homozygotes.

Submissions (8):

Labcorp Genetics (formerly Invitae), Labcorp
Classification: Likely benign for Tuberous sclerosis 1. Last evaluated: 2025-12-13. Review status: criteria provided, single submitter. Criteria: Invitae Variant Classification Sherloc (09022015). Collection method: clinical testing. Allele origin: germline.

Quest Diagnostics Nichols Institute San Juan Capistrano
Classification: Uncertain significance. Last evaluated: 2025-07-10. Review status: criteria provided, single submitter. Criteria: Quest Diagnostics criteria. Collection method: clinical testing. Allele origin: unknown.

Color Diagnostics, LLC DBA Color Health
Classification: Uncertain significance for Tuberous sclerosis syndrome. Last evaluated: 2025-05-06. Review status: criteria provided, single submitter. Criteria: ACMG Guidelines, 2015. Collection method: clinical testing. Allele origin: germline.
Comment: This missense variant replaces tryptophan with arginine at codon 676 of the TSC1 protein. Computational prediction suggests that this variant may have deleterious impact on protein structure and function. To our knowledge, functional studies have not been reported for this variant. This variant has not been reported in individuals affected with TSC1-related disorders in the literature. This variant has been identified in 4/251136 chromosomes in the general population by the Genome Aggregation Database (gnomAD). The available evidence is insufficient to determine the role of this variant in disease conclusively. Therefore, this variant is classified as a Variant of Uncertain Significance.

All of Us Research Program, National Institutes of Health
Classification: Uncertain significance for Tuberous sclerosis syndrome. Last evaluated: 2023-08-25. Review status: criteria provided, single submitter. Criteria: ACMG Guidelines, 2015. Collection method: clinical testing. Allele origin: germline. Inheritance: Autosomal dominant inheritance. Observed: 3 variant alleles, 3 heterozygotes.
Comment: This missense variant replaces tryptophan with arginine at codon 676 of the TSC1 protein. Computational prediction suggests that this variant may have deleterious impact on protein structure and function (internally defined REVEL score threshold >= 0.7, PMID: 27666373). To our knowledge, functional studies have not been reported for this variant. This variant has not been reported in individuals affected with TSC1-related disorders in the literature. This variant has been identified in 4/251136 chromosomes in the general population by the Genome Aggregation Database (gnomAD). The available evidence is insufficient to determine the role of this variant in disease conclusively. Therefore, this variant is classified as a Variant of Uncertain Significance.

This study involves interpretation of variants in research participants for the purpose of population health screening. Participant phenotype was not available at the time of variant classification. Additional details can be found in publication PMID: 35346344, PMCID: PMC8962531

Ambry Genetics
Classification: Likely benign for Hereditary cancer-predisposing syndrome. Last evaluated: 2022-09-06. Review status: criteria provided, single submitter. Criteria: Ambry Variant Classification Scheme 2023. Collection method: clinical testing. Allele origin: germline.

Genome-Nilou Lab
Classification: Likely benign for Tuberous sclerosis 1. Last evaluated: 2021-11-07. Review status: criteria provided, single submitter. Criteria: ACMG Guidelines, 2015. Collection method: clinical testing. Allele origin: germline. Affected: no.

Sema4
Classification: Uncertain significance for Hereditary cancer-predisposing syndrome. Last evaluated: 2021-05-31. Review status: criteria provided, single submitter. Criteria: Sema4 Curation Guidelines. Collection method: curation. Allele origin: germline.
Comment: The TSC1 c.2026T>A (p.W676R) variant has not been reported in the literature to our knowledge. This variant was observed in 3/10060 chromosomes in the Ashkenazi Jewish subpopulation of the Genome Aggregation Database (PMID: 32461654). This variant has been reported in ClinVar (Variation ID 207613). In silico tools suggest the impact of the variant on protein function is deleterious, though these predictions have not been confirmed by functional studies. The overall evidence is insufficient to meet ACMG/AMP criteria for classifying it as benign or pathogenic. In summary, the clinical significance of this variant is currently uncertain.

GeneDx
Classification: Likely benign. Last evaluated: 2019-04-05. Review status: criteria provided, single submitter. Criteria: GeneDx Variant Classification Process June 2021. Collection method: clinical testing. Allele origin: germline. Affected: yes.

NM_000368.5(TSC1):c.2026T>A (p.Trp676Arg)

Gene: TSC1 (TSC complex subunit 1; minus strand). Cytogenetic location: 9q34.13.
Variant type: single nucleotide variant.
Coding change: c.2026T>A on transcript NM_000368.5 (MANE Select); coding-DNA position 2026, T replaced by A.
Protein change: p.Trp676Arg; replaces tryptophan 676 with arginine.
Molecular consequence: missense variant.
Genome position (GRCh38, 1-based): chr9:132,904,426, A>T on the plus strand (T>A on the coding strand, the complement: TSC1 is on the minus strand). VCF-style: chr9-132904426-A-T. GRCh37 (hg19) VCF-style: chr9-135779813-A-T.
Other names: p.W676R:TGG>AGG; c.2023T>A, p.Trp675Arg (NM_001162426.2); c.1873T>A, p.Trp625Arg (NM_001162427.2); c.1663T>A, p.Trp555Arg (NM_001362177.2); short protein forms W676R, W555R, W625R, W675R.
Identifiers: ClinVar variation 207613 (VCV000207613.25), dbSNP rs748901883, ClinGen allele CA030669.